The following is an entry in ClinVar:

ClinVar aggregate classification (germline): Uncertain significance (1 of 4 stars; one submission).

Submission:

Labcorp Genetics (formerly Invitae), Labcorp
Classification: Uncertain significance. Last evaluated: 2024-11-22. Review status: criteria provided, single submitter. Criteria: Invitae Variant Classification Sherloc (09022015). Collection method: clinical testing. Allele origin: germline.
Comment: This sequence change creates a premature translational stop signal (p.Ala418Glnfs*2) in the PAX1 gene. While this is not anticipated to result in nonsense mediated decay, it is expected to disrupt the last 117 amino acid(s) of the PAX1 protein. This variant is not present in population databases (gnomAD no frequency). This variant has not been reported in the literature in individuals affected with PAX1-related conditions. Experimental studies and prediction algorithms are not available or were not evaluated, and the functional significance of this variant is currently unknown. In summary, the available evidence is currently insufficient to determine the role of this variant in disease. Therefore, it has been classified as a Variant of Uncertain Significance.

NM_001257096.2(PAX1):c.1252del (p.Ala418fs)

Gene: PAX1 (paired box 1; plus strand). Cytogenetic location: 20p11.22.
Variant type: Deletion.
Coding change: c.1252del on transcript NM_001257096.2 (MANE Select); coding-DNA position 1252, one base deleted (G; older notation c.1252delG).
Protein change: p.Ala418fs; shifts the reading frame from alanine 418.
Molecular consequence: frameshift variant.
Genome position (GRCh38, 1-based): chr20:21,709,414, G deleted. VCF-style (leftmost placement, unchanged base first): chr20-21709413-AG-A. GRCh37 (hg19) VCF-style: chr20-21690051-AG-A.
Other names: c.1252del, p.Ala418fs (NM_006192.5); short protein forms A418fs.
Identifiers: ClinVar variation 3725824 (VCV003725824.2).
Genomic context (GRCh38, chr20:21,709,413, plus strand): 5'-AGGTCCTCCTCTGGCGCCCCCCGGGGCCGGCGTAGCTGTGCATGGCGGGGAACTCGCGGC[AG>A]CAATGACCTTCAAGCATCCCAGCCGAGAAGGTGAGGAGCGCAGGGAGTGGGGCGGGTGGA-3'